The following is an entry in ClinVar:

ClinVar aggregate classification (germline): Uncertain significance (1 of 4 stars; one submission).

Conditions:
PCNT-related disorder. Also called: PCNT-related condition.

gnomAD v4.1: 17 of 1,607,882 alleles (0.0011%); highest among the groups gnomAD compares: East Asian, 0.0045%; no homozygotes.

Submission:

PreventionGenetics, part of Exact Sciences
Classification: Uncertain significance for PCNT-related condition. Last evaluated: 2024-10-21. Review status: criteria provided, single submitter. Criteria: ACMG Guidelines, 2015. Collection method: clinical testing. Allele origin: germline.
Comment: The PCNT c.4564-5G>A variant is predicted to interfere with splicing. To our knowledge, this variant has not been reported in the literature. This variant is reported in 0.0042% of alleles in individuals of African descent in gnomAD. At this time, the clinical significance of this variant is uncertain due to the absence of conclusive functional and genetic evidence.

NM_006031.6(PCNT):c.4564-5G>A

Gene: PCNT (pericentrin; plus strand). Cytogenetic location: 21q22.3.
Variant type: single nucleotide variant.
Coding change: c.4564-5G>A on transcript NM_006031.6 (MANE Select); 5 bases into the intron before coding-DNA position 4564, G replaced by A.
Molecular consequence: intron variant.
Genome position (GRCh38, 1-based): chr21:46,398,230, G>A. VCF-style: chr21-46398230-G-A. GRCh37 (hg19) VCF-style: chr21-47818144-G-A.
Other names: c.4210-5G>A (NM_001315529.2).
Identifiers: ClinVar variation 4992209 (VCV004992209.1).